The following is an entry in ClinVar:

NM_001253852.3(AP4B1):c.1331G>T (p.Gly444Val)

Genes: AP4B1 (adaptor related protein complex 4 subunit beta 1; minus strand), AP4B1-AS1 (AP4B1 antisense RNA 1; plus strand). Cytogenetic location: 1p13.2.
Variant type: single nucleotide variant.
Coding change: c.1331G>T on transcript NM_001253852.3 (MANE Select); coding-DNA position 1331, G replaced by T.
Protein change: p.Gly444Val; replaces glycine 444 with valine.
Molecular consequence: missense variant.
Genome position (GRCh38, 1-based): chr1:113,896,437, C>A on the plus strand (G>T on the coding strand, the complement: AP4B1 is on the minus strand). VCF-style: chr1-113896437-C-A. GRCh37 (hg19) VCF-style: chr1-114439059-C-A.
Other names: c.1034G>T, p.Gly345Val (NM_001253853.3); c.827G>T, p.Gly276Val (NM_001308312.2); c.1331G>T, p.Gly444Val (NM_006594.5); short protein forms G276V, G345V, G444V.
Identifiers: ClinVar variation 1174650 (VCV001174650.7), dbSNP rs1345004647, ClinGen allele CA341710572.
Genomic context (GRCh38, chr1:113,896,437, plus strand): 5'-ACATTCTCAACAAAGTCCTCTAACACATAAGGAGCATTAGGAATTCTTTCCCCATGGACA[C>A]CAAGTAGCCAAATAAGTGCTTGCTTCCCCTAGAGAATAAAGGAATAAGAGCAAGTGCTCA-3'
Protein context (NP_001240781.1, residues 434-454): EGKQALIWLL[Gly444Val]VHGERIPNAP

ClinVar aggregate classification (germline): Uncertain significance. Review status: criteria provided, single submitter (1 of 4 stars). 3 submissions from 3 submitters: Uncertain significance (1). 2 of the submissions do not count toward it. Last evaluated 2022-08-26.

Allele frequency attached by ClinVar (database versions not stated): gnomAD 0.00001.

Submissions (3):

GeneDx
Classification: Uncertain significance. Last evaluated: 2022-08-26. Review status: criteria provided, single submitter. Criteria: GeneDx Variant Classification Process June 2021. Collection method: clinical testing. Allele origin: germline. Affected: yes.
Comment: Not observed in large population cohorts (gnomAD); In silico analysis supports that this missense variant has a deleterious effect on protein structure/function; Has not been previously published as pathogenic or benign to our knowledge

Diagnostic Laboratory, Department of Genetics, University Medical Center Groningen
Classification: Uncertain significance. Review status: no assertion criteria provided. Collection method: clinical testing. Allele origin: germline. Affected: yes. Study: VKGL Data-share Consensus. Not counted in ClinVar's aggregate classification.

Joint Genome Diagnostic Labs from Nijmegen and Maastricht, Radboudumc and MUMC+
Classification: Uncertain significance. Review status: no assertion criteria provided. Collection method: clinical testing. Allele origin: germline. Affected: yes. Study: VKGL Data-share Consensus. Not counted in ClinVar's aggregate classification.